The following is an entry in ClinVar:

NM_139058.3(ARX):c.994C>G (p.Arg332Gly)

Gene: ARX (aristaless related homeobox; minus strand). Cytogenetic location: Xp21.3.
Variant type: single nucleotide variant.
Coding change: c.994C>G on transcript NM_139058.3 (MANE Select); coding-DNA position 994, C replaced by G.
Protein change: p.Arg332Gly; replaces arginine 332 with glycine.
Molecular consequence: missense variant.
Genome position (GRCh38, 1-based): chrX:25,013,001, G>C on the plus strand (C>G on the coding strand, the complement: ARX is on the minus strand). VCF-style: chrX-25013001-G-C. GRCh37 (hg19) VCF-style: chrX-25031118-G-C.
Other names: short protein forms R332G.
Identifiers: ClinVar variation 1494703 (VCV001494703.9), dbSNP rs2147323593, ClinGen allele CA412611994.

ClinVar aggregate classification (germline): Pathogenic/Likely pathogenic. Review status: criteria provided, multiple submitters, no conflicts (2 of 4 stars). 2 submissions from 2 submitters: Pathogenic (1); Likely pathogenic (1). Last evaluated 2023-09-28.

Conditions:
Developmental and epileptic encephalopathy, 1 (DEE1). Also called: X-linked infantile spasms; West's syndrome; Tonic spasms with clustering, arrest of psychomotor development and hypsarrhythmia on EEG; X-Linked Infantile Spasm Syndrome; INFANTILE SPASM SYNDROME, X-LINKED 1; Epileptic encephalopathy, early infantile, 1. Identifiers: MedGen C3463992, MONDO:0010632, OMIM 308350. Disease mechanism: loss of function.
Intellectual disability, X-linked, with or without seizures, ARX-related. Also called: INTELLECTUAL DEVELOPMENTAL DISORDER, X-LINKED 29; MENTAL RETARDATION, X-LINKED 29; MENTAL RETARDATION, X-LINKED 32; MENTAL RETARDATION, X-LINKED 33; MENTAL RETARDATION, X-LINKED 38; MENTAL RETARDATION, X-LINKED 43. Identifiers: Orphanet 777, MedGen C0796244, MONDO:0010317, OMIM 300419.
Partington syndrome (PRTS). Also called: Mental retardation-dystonic movements-ataxia-seizures syndrome; MENTAL RETARDATION, X-LINKED 36; MENTAL RETARDATION, X-LINKED, SYNDROMIC 1; MENTAL RETARDATION, X-LINKED, WITH DYSTONIC MOVEMENTS, ATAXIA, AND SEIZURES. Identifiers: Orphanet 94083, MedGen C0796250, MONDO:0010654, OMIM 309510.
X-linked lissencephaly with abnormal genitalia. Identifiers: Orphanet 452, MedGen C1846171, MONDO:0010268, OMIM 300215.
Corpus callosum agenesis-abnormal genitalia syndrome. Also called: PROUD SYNDROME; ACC WITH ABNORMAL GENITALIA. Identifiers: Orphanet 2508, MedGen C0796124, MONDO:0010224, OMIM 300004.

Submissions (2):

Labcorp Genetics (formerly Invitae), Labcorp
Classification: Pathogenic for Developmental and epileptic encephalopathy, 1; Intellectual disability, X-linked, with or without seizures, ARX-related. Last evaluated: 2023-09-28. Review status: criteria provided, single submitter. Criteria: Invitae Variant Classification Sherloc (09022015). Collection method: clinical testing. Allele origin: germline.
Comment: For these reasons, this variant has been classified as Pathogenic. This variant disrupts the p.Arg332 amino acid residue in ARX. Other variant(s) that disrupt this residue have been observed in individuals with ARX-related conditions (PMID: 14722918, 16995578, 30108342), which suggests that this may be a clinically significant amino acid residue. Advanced modeling of protein sequence and biophysical properties (such as structural, functional, and spatial information, amino acid conservation, physicochemical variation, residue mobility, and thermodynamic stability) performed at Invitae indicates that this missense variant is expected to disrupt ARX protein function. ClinVar contains an entry for this variant (Variation ID: 1494703). This missense change has been observed in individual(s) with ARX-related conditions (Invitae). In at least one individual the variant was observed to be de novo. This variant is not present in population databases (gnomAD no frequency). This sequence change replaces arginine, which is basic and polar, with glycine, which is neutral and non-polar, at codon 332 of the ARX protein (p.Arg332Gly).

Fulgent Genetics
Classification: Likely pathogenic for Corpus callosum agenesis-abnormal genitalia syndrome; X-linked lissencephaly with abnormal genitalia; Intellectual disability, X-linked, with or without seizures, ARX-related; Developmental and epileptic encephalopathy, 1; Partington syndrome. Last evaluated: 2022-05-23. Review status: criteria provided, single submitter. Criteria: ACMG Guidelines, 2015. Collection method: clinical testing. Allele origin: unknown.

Literature cited by the submitters: PubMed 14722918 (cited by Labcorp Genetics (formerly Invitae), Labcorp); PubMed 16995578 (cited by Labcorp Genetics (formerly Invitae), Labcorp); PubMed 30108342 (cited by Labcorp Genetics (formerly Invitae), Labcorp).